The following is an entry in ClinVar:

ClinVar aggregate classification (germline): Uncertain significance (1 of 4 stars; one submission).

gnomAD v4.1: 1 of 1,609,536 alleles (0.000062%); highest among the groups gnomAD compares: Non-Finnish European, 0.000085%; no homozygotes.

Submission:

Ambry Genetics
Classification: Uncertain significance. Last evaluated: 2026-07-15. Review status: criteria provided, single submitter. Criteria: Ambry Variant Classification Scheme 2023. Collection method: clinical testing. Allele origin: germline.
Comment: The p.A1156P variant (also known as c.3466G>C), located in coding exon 14 of the WNK2 gene, results from a G to C substitution at nucleotide position 3466. The alanine at codon 1156 is replaced by proline, an amino acid with highly similar properties. This amino acid position is conserved. In addition, this alteration is predicted to be tolerated by in silico analysis. Based on the available evidence, the clinical significance of this variant remains unclear.

NM_006648.4(WNK2):c.3466G>C (p.Ala1156Pro)

Gene: WNK2 (WNK lysine deficient protein kinase 2; plus strand). Cytogenetic location: 9q22.31.
Variant type: single nucleotide variant.
Coding change: c.3466G>C on transcript NM_006648.4 (MANE Select); coding-DNA position 3466, G replaced by C.
Protein change: p.Ala1156Pro; replaces alanine 1156 with proline.
Molecular consequence: missense variant.
Genome position (GRCh38, 1-based): chr9:93,263,621, G>C. VCF-style: chr9-93263621-G-C. GRCh37 (hg19) VCF-style: chr9-96025903-G-C.
Other names: c.3466G>C, p.Ala1156Pro (NM_001282394.3); short protein forms A1156P.
Identifiers: ClinVar variation 5031862 (VCV005031862.1).
Genomic context (GRCh38, chr9:93,263,621, plus strand): 5'-CTCAGCTATGGAGGTTCTGATGTCACTTCTGGAAAAGAGCTGAGTGACAGCTGTGAAGGC[G>C]CCTTTGGAGGGGGCAGGCTGGAGGGCAGGGCAGCCCGAAAACACCACCGCAGGTCCACGC-3'
Protein context (NP_006639.3, residues 1146-1166): GKELSDSCEG[Ala1156Pro]FGGGRLEGRA